The following is an entry in ClinVar:

NM_021815.5(SLC5A7):c.1436T>G (p.Phe479Cys)

Gene: SLC5A7 (solute carrier family 5 member 7; plus strand). Cytogenetic location: 2q12.3.
Variant type: single nucleotide variant.
Coding change: c.1436T>G on transcript NM_021815.5 (MANE Select); coding-DNA position 1436, T replaced by G.
Protein change: p.Phe479Cys; replaces phenylalanine 479 with cysteine.
Molecular consequence: missense variant.
Genome position (GRCh38, 1-based): chr2:108,010,554, T>G. VCF-style: chr2-108010554-T-G. GRCh37 (hg19) VCF-style: chr2-108627010-T-G.
Other names: c.1436T>G, p.Phe479Cys (NM_001305005.3); c.1121T>G, p.Phe374Cys (NM_001305006.3); c.695T>G, p.Phe232Cys (NM_001305007.3); short protein forms F479C, F232C, F374C.
Identifiers: ClinVar variation 579210 (VCV000579210.7), dbSNP rs1274120636, ClinGen allele CA348114575.

ClinVar aggregate classification (germline): Uncertain significance. Review status: criteria provided, multiple submitters, no conflicts (2 of 4 stars). 2 submissions from 2 submitters: Uncertain significance (2). Last evaluated 2026-02-27.

Conditions:
Congenital myasthenic syndrome 20. Also called: Myasthenic syndrome, congenital, 20, presynaptic. Identifiers: MedGen C4310694, MONDO:0014939, OMIM 617143.
Neuronopathy, distal hereditary motor, type 7A. Also called: Neuronopathy, distal hereditary motor, autosomal dominant 7; NEURONOPATHY, DISTAL HEREDITARY MOTOR, HARDING TYPE VIIA; NEUROPATHY, DISTAL HEREDITARY MOTOR, HARDING TYPE VIIA; Neuronopathy, distal hereditary motor, type viia; HARPER-YOUNG MYOPATHY; HMN VIIA. Identifiers: Orphanet 139589, MedGen C1834703, MONDO:0008024, OMIM 158580.
Inborn genetic diseases. Identifiers: MedGen C0950123, MeSH D030342.

Allele frequency attached by ClinVar (database versions not stated): gnomAD exomes below 0.00001 and 0.00001; TOPMed below 0.00001.
gnomAD v4.1: 9 of 1,613,782 alleles (0.00056%); highest among the groups gnomAD compares: Non-Finnish European, 0.00068%; no homozygotes.

Submissions (2):

Ambry Genetics
Classification: Uncertain significance for Inborn genetic diseases. Last evaluated: 2026-02-27. Review status: criteria provided, single submitter. Criteria: Ambry Variant Classification Scheme 2023. Collection method: clinical testing. Allele origin: germline.

Labcorp Genetics (formerly Invitae), Labcorp
Classification: Uncertain significance for Neuronopathy, distal hereditary motor, type 7A; Congenital myasthenic syndrome 20. Last evaluated: 2025-09-14. Review status: criteria provided, single submitter. Criteria: Invitae Variant Classification Sherloc (09022015). Collection method: clinical testing. Allele origin: germline.
Comment: This sequence change replaces phenylalanine, which is neutral and non-polar, with cysteine, which is neutral and slightly polar, at codon 479 of the SLC5A7 protein (p.Phe479Cys). This variant is present in population databases (no rsID available, gnomAD 0.0009%). This variant has not been reported in the literature in individuals affected with SLC5A7-related conditions. ClinVar contains an entry for this variant (Variation ID: 579210). Invitae Evidence Modeling of protein sequence and biophysical properties (such as structural, functional, and spatial information, amino acid conservation, physicochemical variation, residue mobility, and thermodynamic stability) indicates that this missense variant is not expected to disrupt SLC5A7 protein function with a negative predictive value of 80%. In summary, the available evidence is currently insufficient to determine the role of this variant in disease. Therefore, it has been classified as a Variant of Uncertain Significance.